The following is an entry in ClinVar:

ClinVar aggregate classification (germline): Conflicting classifications of pathogenicity. Review status: criteria provided, conflicting classifications (1 of 4 stars). 8 submissions from 7 submitters: Uncertain significance (2); Benign (1); Likely benign (5). Last evaluated 2025-09-24.

Conditions:
FANCB-related disorder. Also called: FANCB-related condition.
Fanconi anemia (FA). Also called: Fanconi's anemia. Identifiers: Orphanet 84, MedGen C0015625, MeSH D005199, MONDO:0019391.
Fanconi anemia complementation group B (FANCB). Also called: FANCONI PANCYTOPENIA, TYPE 2; FANCB-Related Fanconi Anemia. Identifiers: Orphanet 84, MedGen C1845292, MONDO:0010351, OMIM 300514.
Multiple congenital anomalies/dysmorphic syndrome. Identifiers: Orphanet 68341, MedGen C5681310, MONDO:0019042.
VACTERL association, X-linked, with or without hydrocephalus (VACTERLX). Also called: VACTERL Association with Hydrocephalus, X-linked; VACTERL ASSOCIATION, X-LINKED; X-linked VACTERL-H syndrome; VACTERL-H, X-LINKED. Identifiers: Orphanet 3412, MedGen C2931228, MONDO:0010752, OMIM 314390.

Allele frequency attached by ClinVar (database versions not stated): gnomAD exomes 0.00003 and 0.00012; ExAC 0.00006; gnomAD 0.00009 and 0.00010; TOPMed 0.00011; ESP Exome Variant Server 0.00019.
gnomAD v4.1: 138 of 1,209,332 alleles (0.011%); highest among the groups gnomAD compares: Non-Finnish European, 0.015%; no homozygotes.

Submissions (8):

Labcorp Genetics (formerly Invitae), Labcorp
Classification: Benign for Fanconi anemia. Last evaluated: 2025-09-24. Review status: criteria provided, single submitter. Criteria: Invitae Variant Classification Sherloc (09022015). Collection method: clinical testing. Allele origin: germline.

PreventionGenetics, part of Exact Sciences
Classification: Likely benign for FANCB-related condition. Last evaluated: 2025-01-21. Review status: criteria provided, single submitter. Criteria: ACMG Guidelines, 2015. Collection method: clinical testing. Allele origin: germline.
Comment: This variant is classified as likely benign based on ACMG/AMP sequence variant interpretation guidelines (Richards et al. 2015 PMID: 25741868, with internal and published modifications).

GeneDx
Classification: Uncertain significance. Last evaluated: 2024-12-03. Review status: criteria provided, single submitter. Criteria: GeneDx Variant Classification Process June 2021. Collection method: clinical testing. Allele origin: germline. Affected: yes.
Comment: In silico analysis supports that this missense variant has a deleterious effect on protein structure/function; Has not been previously published as pathogenic or benign to our knowledge; This variant is associated with the following publications: (PMID: 30404791, 29654263, 31721781)

Sema4
Classification: Likely benign for Fanconi anemia. Last evaluated: 2021-11-01. Review status: criteria provided, single submitter. Criteria: Sema4 Curation Guidelines. Collection method: curation. Allele origin: germline.

Genetic Services Laboratory, University of Chicago
Classification: Uncertain significance. Last evaluated: 2020-11-30. Review status: criteria provided, single submitter. Criteria: ACMG Guidelines, 2015. Collection method: clinical testing. Allele origin: germline. Affected: no.
Comment: This sequence change does not appear to have been previously described in patients with FANCB-related disorders and has been described in the gnomAD database with a low population frequency of 0.0034% (dbSNP rs140363445). The p.Glu781Gly change affects a poorly conserved amino acid residue located in a domain of the FANCB protein that is not known to be functional. The p.Glu781Gly substitution appears to be benign using several in-silico pathogenicity prediction tools (SIFT, PolyPhen2, Align GVGD, REVEL. Due to these contrasting evidences and the lack of functional studies, the clinical significance of the p.Glu781Gly change remains unknown at this time.

Cambridge Genomics Laboratory, East Genomic Laboratory Hub, NHS Genomic Medicine Service
Classification: Likely benign for Multiple congenital anomalies/dysmorphic syndrome. Last evaluated: 2020-01-14. Review status: criteria provided, single submitter. Criteria: ACGS Best Practice Guidelines for Variant Classification in Rare Disease 2020. Collection method: clinical testing. Allele origin: germline. Affected: yes. Observed: 1 variant allele.

Illumina Laboratory Services, Illumina
Classification: Likely benign for Fanconi anemia complementation group B. Last evaluated: 2018-01-13. Review status: criteria provided, single submitter. Criteria: ICSL Variant Classification Criteria 13 December 2019. Collection method: clinical testing. Allele origin: germline.
Comment: This variant was observed in the ICSL laboratory as part of a predisposition screen in an ostensibly healthy population. It had not been previously curated by ICSL or reported in the Human Gene Mutation Database (HGMD: prior to June 1st, 2018), and was therefore a candidate for classification through an automated scoring system. Utilizing variant allele frequency, disease prevalence and penetrance estimates, and inheritance mode, an automated score was calculated to assess if this variant is too frequent to cause the disease. Based on the score and internal cut-off values, a variant classified as likely benign is not then subjected to further curation. The score for this variant resulted in a classification of likely benign for this disease.

Illumina Laboratory Services, Illumina
Classification: Likely benign for VACTERL association with hydrocephaly, X-linked. Last evaluated: 2018-01-13. Review status: criteria provided, single submitter. Criteria: ICSL Variant Classification Criteria 13 December 2019. Collection method: clinical testing. Allele origin: germline.
Comment: the same text as in the submission from Illumina Laboratory Services, Illumina above.

NM_001018113.3(FANCB):c.2342A>G (p.Glu781Gly)

Gene: FANCB (FA complementation group B; minus strand). Cytogenetic location: Xp22.2.
Variant type: single nucleotide variant.
Coding change: c.2342A>G on transcript NM_001018113.3 (MANE Select); coding-DNA position 2342, A replaced by G.
Protein change: p.Glu781Gly; replaces glutamic acid 781 with glycine.
Molecular consequence: missense variant.
Genome position (GRCh38, 1-based): chrX:14,843,805, T>C on the plus strand (A>G on the coding strand, the complement: FANCB is on the minus strand). VCF-style: chrX-14843805-T-C. GRCh37 (hg19) VCF-style: chrX-14861927-T-C.
Other names: c.2342A>G, p.Glu781Gly (NM_001324162.2, NM_152633.4); short protein forms E781G.
Identifiers: ClinVar variation 572694 (VCV000572694.24), dbSNP rs140363445, ClinGen allele CA10352923.